The following is an entry in ClinVar:

NM_000381.4(MID1):c.1605T>C (p.Phe535=)

Gene: MID1 (midline 1; minus strand). Cytogenetic location: Xp22.2.
Variant type: single nucleotide variant.
Coding change: c.1605T>C on transcript NM_000381.4 (MANE Select); coding-DNA position 1605, T replaced by C.
Protein change: p.Phe535=; no amino-acid change (phenylalanine 535 retained).
Molecular consequence: synonymous variant.
Genome position (GRCh38, 1-based): chrX:10,454,920, A>G on the plus strand (T>C on the coding strand, the complement: MID1 is on the minus strand). VCF-style: chrX-10454920-A-G. GRCh37 (hg19) VCF-style: chrX-10422960-A-G.
Other names: c.1605T>C, p.Phe535= (NM_001098624.2, NM_001193277.1, NM_001347733.2 and 1 more transcripts); c.1491T>C, p.Phe497= (NM_033289.2).
Identifiers: ClinVar variation 587781 (VCV000587781.33), dbSNP rs768522341, ClinGen allele CA10347439.

ClinVar aggregate classification (germline): Benign/Likely benign. Review status: criteria provided, multiple submitters, no conflicts (2 of 4 stars). 3 submissions from 3 submitters: Benign (1); Likely benign (2). Last evaluated 2025-12-23.

Conditions:
Inborn genetic diseases. Identifiers: MedGen C0950123, MeSH D030342.

Allele frequency attached by ClinVar (database versions not stated): gnomAD 0.00009 and 0.00011; TOPMed 0.00012; gnomAD exomes 0.00019 and 0.00026; ExAC 0.00030.
gnomAD v4.1: 228 of 1,209,861 alleles (0.019%); highest among the groups gnomAD compares: Middle Eastern, 0.73%; 2 homozygotes.

Submissions (3):

Labcorp Genetics (formerly Invitae), Labcorp
Classification: Benign. Last evaluated: 2025-12-23. Review status: criteria provided, single submitter. Criteria: Invitae Variant Classification Sherloc (09022015). Collection method: clinical testing. Allele origin: germline.

CeGaT Center for Human Genetics Tuebingen
Classification: Likely benign. Last evaluated: 2022-10-01. Review status: criteria provided, single submitter. Criteria: CeGaT Center For Human Genetics Tuebingen Variant Classification Criteria Version 2. Collection method: clinical testing. Allele origin: germline. Affected: yes. Observed: 2 variant alleles.
Comment: MID1: BP4, BP7

Ambry Genetics
Classification: Likely benign for Inborn genetic diseases. Last evaluated: 2017-03-21. Review status: criteria provided, single submitter. Criteria: Ambry Variant Classification Scheme 2023. Collection method: clinical testing. Allele origin: germline.